The following is an entry in ClinVar:

ClinVar aggregate classification (germline): Conflicting classifications of pathogenicity. Review status: criteria provided, conflicting classifications (1 of 4 stars). 4 submissions from 4 submitters: Uncertain significance (3); Likely benign (1). Last evaluated 2026-04-21.

Conditions:
Basal cell carcinoma, susceptibility to, 1. Also called: BCC1. Identifiers: MedGen C2751544, MONDO:0011556, OMIM 605462.
Gorlin syndrome. Also called: Nevoid Basal Cell Carcinoma Syndrome; Basal cell nevus syndrome. Identifiers: Orphanet 377, MedGen C0004779, MONDO:0007187.
Holoprosencephaly 7 (HPE7). Identifiers: Orphanet 2162, MedGen C1835820, MONDO:0012562, OMIM 610828.
Hereditary cancer-predisposing syndrome. Also called: Tumor predisposition; Hereditary neoplastic syndrome; Hereditary Cancer Syndrome; Neoplastic Syndromes, Hereditary. Identifiers: Orphanet 140162, MedGen C0027672, MeSH D009386, MONDO:0015356.

Allele frequency attached by ClinVar (database versions not stated): TOPMed 0.00003; ExAC 0.00002; gnomAD 0.00001 and 0.00002; gnomAD exomes 0.00002.
gnomAD v4.1: 38 of 1,613,218 alleles (0.0024%); highest among the groups gnomAD compares: South Asian, 0.0066%; no homozygotes.

Submissions (4):

Dasa
Classification: Uncertain significance. Last evaluated: 2026-04-21. Review status: criteria provided, single submitter. Criteria: DASA Assertion Criteria. Collection method: clinical testing. Allele origin: germline.
Comment: NM_000264.5(PTCH1):c.4115C>T (p.Thr1372Met) is a missense variant that results in the substitution of threonine with methionine. This variant is rare in population databases. Computational prediction algorithms are consistent with a deleterious effect. The currently available literature and clinical evidence are not sufficient to establish a definitive association between this variant and the reported condition. Therefore, this variant is classified as a variant of uncertain significance.

Labcorp Genetics (formerly Invitae), Labcorp
Classification: Uncertain significance for Gorlin syndrome. Last evaluated: 2026-02-04. Review status: criteria provided, single submitter. Criteria: Invitae Variant Classification Sherloc (09022015). Collection method: clinical testing. Allele origin: germline.
Comment: This sequence change replaces threonine, which is neutral and polar, with methionine, which is neutral and non-polar, at codon 1372 of the PTCH1 protein (p.Thr1372Met). This variant is present in population databases (rs765348942, gnomAD 0.007%). This variant has not been reported in the literature in individuals affected with PTCH1-related conditions. ClinVar contains an entry for this variant (Variation ID: 237495). Invitae Evidence Modeling of protein sequence and biophysical properties (such as structural, functional, and spatial information, amino acid conservation, physicochemical variation, residue mobility, and thermodynamic stability) indicates that this missense variant is not expected to disrupt PTCH1 protein function with a negative predictive value of 95%. In summary, the available evidence is currently insufficient to determine the role of this variant in disease. Therefore, it has been classified as a Variant of Uncertain Significance.

Ambry Genetics
Classification: Likely benign for Hereditary cancer-predisposing syndrome. Last evaluated: 2025-09-23. Review status: criteria provided, single submitter. Criteria: Ambry Variant Classification Scheme 2023. Collection method: clinical testing. Allele origin: germline.

Fulgent Genetics
Classification: Uncertain significance for Basal cell nevus syndrome 1; Basal cell carcinoma, susceptibility to, 1; Holoprosencephaly 7. Last evaluated: 2021-12-22. Review status: criteria provided, single submitter. Criteria: ACMG Guidelines, 2015. Collection method: clinical testing. Allele origin: unknown.

NM_000264.5(PTCH1):c.4115C>T (p.Thr1372Met)

Gene: PTCH1 (patched 1; minus strand). Cytogenetic location: 9q22.32.
Variant type: single nucleotide variant.
Coding change: c.4115C>T on transcript NM_000264.5 (MANE Select); coding-DNA position 4115, C replaced by T.
Protein change: p.Thr1372Met; replaces threonine 1372 with methionine.
Molecular consequence: missense variant. On other transcripts: non-coding transcript variant (1).
Genome position (GRCh38, 1-based): chr9:95,447,141, G>A on the plus strand (C>T on the coding strand, the complement: PTCH1 is on the minus strand). VCF-style: chr9-95447141-G-A. GRCh37 (hg19) VCF-style: chr9-98209423-G-A.
Other names: c.3917C>T, p.Thr1306Met (NM_001083602.3); c.4112C>T, p.Thr1371Met (NM_001083603.3); c.3662C>T, p.Thr1221Met (NM_001083604.3, NM_001083605.3, NM_001083606.3 and 1 more transcripts); c.3959C>T, p.Thr1320Met (NM_001354918.2); short protein forms T1306M, T1372M, T1221M, T1320M, T1371M.
Identifiers: ClinVar variation 237495 (VCV000237495.20), dbSNP rs765348942, ClinGen allele CA5137952.
Genomic context (GRCh38, chr9:95,447,141, plus strand): 5'-TTCCGCCCAGGCCCAGGGACAGGCGGCGGGTGCACGGCGACAGTCACGGAGGCAGAAGCC[G>A]TCACAGTGGTGATGGGCTGGCAGTAGCCGGGCACGGAGCTGCCCATGGCAGTGGACGCTG-3'
Protein context (NP_000255.2, residues 1362-1382): PGYCQPITTV[Thr1372Met]ASASVTVAVH